The following is an entry in ClinVar:

NM_022464.5(SIL1):c.684T>G (p.Leu228=)

Gene: SIL1 (SIL1 nucleotide exchange factor; minus strand). Cytogenetic location: 5q31.2.
Variant type: single nucleotide variant.
Coding change: c.684T>G on transcript NM_022464.5 (MANE Select); coding-DNA position 684, T replaced by G.
Protein change: p.Leu228=; no amino-acid change (leucine 228 retained).
Molecular consequence: synonymous variant.
Genome position (GRCh38, 1-based): chr5:139,021,254, A>C on the plus strand (T>G on the coding strand, the complement: SIL1 is on the minus strand). VCF-style: chr5-139021254-A-C. GRCh37 (hg19) VCF-style: chr5-138356943-A-C.
Other names: c.684T>G, p.Leu228= (NM_001037633.2).
Identifiers: ClinVar variation 3056686 (VCV003056686.2), dbSNP rs1278977216, ClinGen allele CA446599955.

ClinVar aggregate classification (germline): Likely benign (0 of 4 stars; one submission).

Conditions:
SIL1-related disorder. Also called: SIL1-related condition.

Allele frequency attached by ClinVar (database versions not stated): gnomAD exomes 0.00001; TOPMed 0.00001.
gnomAD v4.1: 10 of 1,614,166 alleles (0.00062%); highest among the groups gnomAD compares: Non-Finnish European, 0.00076%; no homozygotes.

Submission:

PreventionGenetics, part of Exact Sciences
Classification: Likely benign for SIL1-related condition. Last evaluated: 2021-12-08. Review status: no assertion criteria provided. Collection method: clinical testing. Allele origin: germline.
Comment: This variant is classified as likely benign based on ACMG/AMP sequence variant interpretation guidelines (Richards et al. 2015 PMID: 25741868, with internal and published modifications).